The following is an entry in ClinVar:

ClinVar aggregate classification (germline): Uncertain significance (1 of 4 stars; one submission).

Allele frequency attached by ClinVar (database versions not stated): ExAC 0.00001; gnomAD exomes 0.00002 and 0.00003; gnomAD 0.00006 and 0.00007; TOPMed 0.00006; ESP Exome Variant Server 0.00008.
gnomAD v4.1: 43 of 1,613,130 alleles (0.0027%); highest among the groups gnomAD compares: Admixed American, 0.013%; no homozygotes.

Submission:

Labcorp Genetics (formerly Invitae), Labcorp
Classification: Uncertain significance. Last evaluated: 2023-10-03. Review status: criteria provided, single submitter. Criteria: Invitae Variant Classification Sherloc (09022015). Collection method: clinical testing. Allele origin: germline.
Comment: This sequence change replaces arginine, which is basic and polar, with cysteine, which is neutral and slightly polar, at codon 444 of the LTBP2 protein (p.Arg444Cys). This variant is present in population databases (rs367878850, gnomAD 0.02%). This variant has not been reported in the literature in individuals affected with LTBP2-related conditions. ClinVar contains an entry for this variant (Variation ID: 1414681). An algorithm developed to predict the effect of missense changes on protein structure and function (PolyPhen-2) suggests that this variant is likely to be disruptive. In summary, the available evidence is currently insufficient to determine the role of this variant in disease. Therefore, it has been classified as a Variant of Uncertain Significance.

NM_000428.3(LTBP2):c.1330C>T (p.Arg444Cys)

Gene: LTBP2 (latent transforming growth factor beta binding protein 2; minus strand). Cytogenetic location: 14q24.3.
Variant type: single nucleotide variant.
Coding change: c.1330C>T on transcript NM_000428.3 (MANE Select); coding-DNA position 1330, C replaced by T.
Protein change: p.Arg444Cys; replaces arginine 444 with cysteine.
Molecular consequence: missense variant.
Genome position (GRCh38, 1-based): chr14:74,552,256, G>A on the plus strand (C>T on the coding strand, the complement: LTBP2 is on the minus strand). VCF-style: chr14-74552256-G-A. GRCh37 (hg19) VCF-style: chr14-75018959-G-A.
Other names: short protein forms R444C.
Identifiers: ClinVar variation 1414681 (VCV001414681.6), dbSNP rs367878850, ClinGen allele CA7269916.